The following continues an entry in ClinVar:

NM_000051.4(ATM):c.331+5G>A

Gene: ATM. ClinVar aggregate classification (germline): Pathogenic/Likely pathogenic. Pathogenic (15); Likely pathogenic (3).

Submissions 8 to 23 of 23:

Color Diagnostics, LLC DBA Color Health
Classification: Pathogenic for Hereditary cancer-predisposing syndrome. Last evaluated: 2024-12-16. Review status: criteria provided, single submitter. Criteria: ACMG Guidelines, 2015. Collection method: clinical testing. Allele origin: germline.
Comment: This variant causes a G>A nucleotide substitution at the +5 position of intron 4 of ATM. Splice site prediction tools suggest that this variant may have a significant impact on RNA splicing. This variant has been reported to impact RNA splicing by external laboratories (ClinVar Accession: SCV000274529.8, SCV001219332.5, SCV004932145.1). This variant has been observed with a second pathogenic variant in trans in multiple individuals affected with ataxia-telangiectasia (PMID: 19535770, 19705055, 22006793, 22213089, 23726790). Patient derived samples showed decreased ATM protein levels and kinase activity (PMID: 19535770, 22213089). This variant has also been identified in 1/249372 chromosomes in the general population by the Genome Aggregation Database (gnomAD). Loss of ATM function is a known mechanism of disease. Based on the available evidence, this variant is classified as Pathogenic.

Department of Human Genetics, Hannover Medical School
Classification: Pathogenic for Familial cancer of breast. Last evaluated: 2024-08-26. Review status: criteria provided, single submitter. Criteria: ACMG Guidelines, 2015. Collection method: clinical testing. Allele origin: germline. Inheritance: Autosomal dominant inheritance. Affected: no.

Myriad Genetics, Inc.
Classification: Likely pathogenic for Familial cancer of breast. Last evaluated: 2024-01-09. Review status: criteria provided, single submitter. Criteria: Myriad Autosomal Dominant, Autosomal Recessive and X-Linked Classification Criteria (2023). Collection method: clinical testing. Allele origin: unknown.
Comment: This variant is considered likely pathogenic. mRNA analysis has demonstrated abnormal mRNA splicing occurs [Myriad internal data, PMID: 17726045]. This variant has been reported in multiple individuals with clinical features of gene-specific disease [PMID: 19535770, 22213089, 23726790].

Baylor Genetics
Classification: Pathogenic for Familial cancer of breast. Last evaluated: 2023-12-19. Review status: criteria provided, single submitter. Criteria: ACMG Guidelines, 2015. Collection method: clinical testing. Allele origin: unknown.

GeneDx
Classification: Pathogenic. Last evaluated: 2023-10-09. Review status: criteria provided, single submitter. Criteria: GeneDx Variant Classification Process June 2021. Collection method: clinical testing. Allele origin: germline. Affected: yes.
Comment: Intronic variant directly or indirectly altering the +5 splice site in a gene for which loss of function is a known mechanism of disease, and published functional studies demonstrate this variant causes skipping of exon 4, with reduced or absent ATM protein and kinase activity (Verhagen et al., 2009; Verhagen et al., 2012; Nakamura et al., 2012; van Os et al., 2017); Observed in the homozygous or compound heterozygous state in several individuals with ataxia-telangiectasia (Verhagen et al., 2009; Verhagen et al., 2012; Nakamura et al., 2012; Chen et al., 2013; van Os et al., 2017); Observed in the heterozygous state in individuals with prostate or ovarian cancer (Lilyquist et al., 2017; Darst et al., 2021); Not observed at significant frequency in large population cohorts (gnomAD); Also reported as IVS6+5G>A using alternate intron nomenclature; This variant is associated with the following publications: (PMID: 23726790, 22006793, 19535770, 23566627, 22213089, 28126470, 19705055, 30549301, 29288088, 32853339, 29922827, 30850667, 37649078, 28888541)

Clinical Genetics Laboratory, Skane University Hospital Lund
Classification: Likely pathogenic. Last evaluated: 2022-11-18. Review status: criteria provided, single submitter. Criteria: ACMG Guidelines, 2015. Collection method: clinical testing. Allele origin: germline. Affected: yes.

Laboratory for Molecular Medicine, Mass General Brigham Personalized Medicine
Classification: Pathogenic for Ataxia-telangiectasia syndrome. Last evaluated: 2022-11-03. Review status: criteria provided, single submitter. Criteria: ACMG Guidelines, 2015. Collection method: clinical testing. Allele origin: germline.
Comment: The c.331+5G>A variant in ATM has been reported in at least 2 homozygous and 2 compound heterozygous individuals with ataxia-telangiectasia and segregated with disease in at least 1 affected family member (Verhagen 2009 PMID: 19535770, Nakamura 2012 PMID: 22006793, Verhagen 2012 PMID: 22213089, Chen 2013 PMID: 23726790). It has also been reported in ClinVar (Variation ID 230851) but was absent from large population studies. This variant is located in the 5'/3' splice region. Computational tools do not provide strong support for a splicing impact, however, In vitro functional studies (including using patient tissue) support exon 6 (exon 5 on NM000051) skipping (introducing a frameshift) and an impact on ATM function (Verhagen 2009 PMID: 19535770, Nakamura 2012 PMID: 22006793). Loss of function of the ATM gene is an established disease mechanism in autosomal recessive ataxia telangiectasia. In summary, this variant meets criteria to be classified as pathogenic for autosomal recessive ataxia telangiectasia. ACMG/AMP Criteria applied: PM2_supporting, PVS1, PM3_Strong.

3billion
Classification: Pathogenic for Ataxia-telangiectasia syndrome. Last evaluated: 2022-09-01. Review status: criteria provided, single submitter. Criteria: ACMG Guidelines, 2015. Collection method: clinical testing. Allele origin: germline. Affected: yes. Observed: 1 heterozygote.
Comment: The variant is observed at an extremely low frequency in the gnomAD v2.1.1 dataset (total allele frequency: <0.001%). Splice variant predicted to produce a truncated protein by alternate splicing. Functional studies provide strong evidence of the variant having a damaging effect on the gene or gene product (PMID: 19535770). In silico tools predict the variant to alter splicing and produce an abnormal transcript (SpliceAI: 0.98). The variant has been reported to be in trans with a pathogenic variant as either compound heterozygous or homozygous in at least one similarly affected unrelated individual (PMID: 19535770, 22213089, 23726790). The variant has been reported to co-segregate with the disease in at least one similarly affected relative/individual in the same family or similarly affected unrelated family (PMID: 23726790). The variant has been reported at least twice as pathogenic with clinical assertions and evidence for the classification (ClinVar ID: VCV000230851 / 3billion dataset). Therefore, this variant is classified as Pathogenic according to the recommendation of ACMG/AMP guideline.

Fulgent Genetics
Classification: Pathogenic for Familial cancer of breast; Ataxia-telangiectasia syndrome. Last evaluated: 2022-02-23. Review status: criteria provided, single submitter. Criteria: ACMG Guidelines, 2015. Collection method: clinical testing. Allele origin: unknown.

CeGaT Center for Human Genetics Tuebingen
Classification: Likely pathogenic. Last evaluated: 2018-07-01. Review status: criteria provided, single submitter. Criteria: CeGaT Center For Human Genetics Tuebingen Variant Classification Criteria Version 2. Collection method: clinical testing. Allele origin: germline. Affected: yes. Observed: 1 variant allele.

Juno Genomics, Hangzhou Juno Genomics, Inc
Classification: Pathogenic for Familial cancer of breast; Ataxia-telangiectasia syndrome. Review status: criteria provided, single submitter. Criteria: ACMG Guidelines, 2015. Collection method: clinical testing. Allele origin: germline.
Comment: Absent from controls (or at extremely low frequency if recessive) in Genome Aggregation Database.;For recessive disorders, detected in trans with a pathogenic variant.;Co-segregation with disease in multiple affected family members.;Null variant in a gene where loss of function (LOF) is a known mechanism of disease.

Counsyl
Classification: Likely pathogenic for Ataxia-telangiectasia syndrome. Last evaluated: 2016-06-29. Review status: no assertion criteria provided. Collection method: clinical testing. Allele origin: unknown. Not counted in ClinVar's aggregate classification.

Clinical Genetics Laboratory, Department of Pathology, Netherlands Cancer Institute
Classification: Likely pathogenic. Review status: no assertion criteria provided. Collection method: clinical testing. Allele origin: germline. Affected: yes. Study: VKGL Data-share Consensus. Not counted in ClinVar's aggregate classification.

Diagnostic Laboratory, Department of Genetics, University Medical Center Groningen
Classification: Pathogenic. Review status: no assertion criteria provided. Collection method: clinical testing. Allele origin: germline. Affected: yes. Study: VKGL Data-share Consensus. Not counted in ClinVar's aggregate classification.

Dr. Peter K. Rogan Lab, Western University
No classification provided (evidence only). Condition: Sarcoma. Review status: no classification provided. Collection method: in vitro. Allele origin: not applicable. Functional consequence: retained intron. Not counted in ClinVar's aggregate classification.

Joint Genome Diagnostic Labs from Nijmegen and Maastricht, Radboudumc and MUMC+
Classification: Pathogenic. Review status: no assertion criteria provided. Collection method: clinical testing. Allele origin: germline. Affected: yes. Study: VKGL Data-share Consensus. Not counted in ClinVar's aggregate classification.

Literature cited by the submitters: PubMed 19535770 (cited by 5 submitters); PubMed 22006793 (cited by 5 submitters); PubMed 22213089 (cited by 6 submitters); PubMed 23726790 (cited by 7 submitters); PubMed 17576681 (cited by Labcorp Genetics (formerly Invitae), Labcorp); PubMed 9536098 (cited by Labcorp Genetics (formerly Invitae), Labcorp); PubMed 19705055 (cited by Ambry Genetics and Color Diagnostics, LLC DBA Color Health); PubMed 17726045 (cited by Myriad Genetics, Inc.).